The following is an entry in ClinVar:

ClinVar aggregate classification (germline): Likely pathogenic (1 of 4 stars; one submission).

Conditions:
Dilated cardiomyopathy 1G (CMD1G). Identifiers: Orphanet 154, MedGen C1858763, MONDO:0011400, OMIM 604145.
Autosomal recessive limb-girdle muscular dystrophy type 2J (LGMDR10). Also called: Limb-girdle muscular dystrophy, type 2J; MUSCULAR DYSTROPHY, LIMB-GIRDLE, AUTOSOMAL RECESSIVE 10. Identifiers: Orphanet 140922, MedGen C1837342, MONDO:0012127, OMIM 608807.

Submission:

Labcorp Genetics (formerly Invitae), Labcorp
Classification: Likely pathogenic for Dilated cardiomyopathy 1G; Autosomal recessive limb-girdle muscular dystrophy type 2J. Last evaluated: 2024-03-16. Review status: criteria provided, single submitter. Criteria: Invitae Variant Classification Sherloc (09022015). Collection method: clinical testing. Allele origin: germline.
Comment: This sequence change creates a premature translational stop signal (p.Leu17257*) in the TTN gene. While this is not anticipated to result in nonsense mediated decay, it is expected to create a truncated TTN protein. This variant is not present in population databases (gnomAD no frequency). This variant has not been reported in the literature in individuals affected with TTN-related conditions. This variant is located in the A band of TTN (PMID: 25589632). Truncating variants in this region are significantly overrepresented in patients affected with dilated cardiomyopathy (PMID: 25589632). Truncating variants in this region have also been reported in individuals affected with autosomal recessive centronuclear myopathy (PMID: 23975875). In summary, the currently available evidence indicates that the variant is pathogenic, but additional data are needed to prove that conclusively. Therefore, this variant has been classified as Likely Pathogenic.

Literature cited by the submitters: PubMed 25589632; PubMed 23975875.

NM_001267550.2(TTN):c.51769del (p.Ser17256_Leu17257insTer)

Genes: TTN (titin; minus strand), TTN-AS1 (TTN antisense RNA 1; plus strand). Cytogenetic location: 2q31.2.
Variant type: Deletion.
Coding change: c.51769del on transcript NM_001267550.2 (MANE Select); coding-DNA position 51769, one base deleted (C; older notation c.51769delC).
Protein change: p.Ser17256_Leu17257insTer.
Molecular consequence: nonsense.
Genome position (GRCh38, 1-based): chr2:178,609,541, G deleted on the plus strand (C on the coding strand, the reverse complement: TTN is on the minus strand); the first of 2 consecutive G bases (chr2:178,609,541-178,609,542); deleting either gives the same sequence. VCF-style (leftmost placement, unchanged base first): chr2-178609540-AG-A. GRCh37 (hg19) VCF-style: chr2-179474267-AG-A.
Other names: c.46846del, p.Ser15615_Leu15616insTer (NM_001256850.1); c.24574del, p.Ser8191_Leu8192insTer (NM_003319.4); c.44065del, p.Ser14688_Leu14689insTer (NM_133378.4); c.24949del, p.Ser8316_Leu8317insTer (NM_133432.3); c.25150del, p.Ser8383_Leu8384insTer (NM_133437.4).
Identifiers: ClinVar variation 3755339 (VCV003755339.2).
Genomic context (GRCh38, chr2:178,609,540, plus strand): 5'-GGGTAAGGTGATCCAGAAATACTTGCATCAAGTGCTATTTCATCACCTCGTTTCACTTCT[AG>A]GCTTGTTCTCAGAATGACTTTGGGGGCATCTATAGTGATCATAACCAATAAATGTTTTCA-3'